The following is an entry in ClinVar:

ClinVar aggregate classification (germline): Pathogenic. Review status: practice guideline (4 of 4 stars). 37 submissions from 36 submitters: Pathogenic (1). 36 of the submissions do not count toward it. Last evaluated 2004-03-03.

Conditions:
CFTR-related disorder (CFTR-RD). Also called: CFTR-related disorders; CFTR-related condition. Identifiers: MedGen C5924204, MONDO:7770004.
Cystic fibrosis (CF). Also called: MUCOVISCIDOSIS. Identifiers: Orphanet 586, MedGen C0010674, MONDO:0009061, OMIM 219700. Disease mechanism: loss of function.
Congenital bilateral aplasia of vas deferens from CFTR mutation (CBAVD). Identifiers: Orphanet 48, MedGen C0403814, MONDO:0010178, OMIM 277180. Disease mechanism: loss of function.
Bronchiectasis with or without elevated sweat chloride 1 (BESC1). Also called: Cystic Fibrosis-Like Syndrome. Identifiers: Orphanet 60033, MedGen C2749757, MONDO:0008887, OMIM 211400.
Hereditary pancreatitis (PCTT). Also called: Hereditary chronic pancreatitis; PRSS1-Related Hereditary Pancreatitis. Identifiers: Orphanet 676, MedGen C0238339, MONDO:0008185, OMIM 167800.

Allele frequency attached by ClinVar (database versions not stated): 1000 Genomes Project 30x 0.00031; gnomAD exomes 0.00002 and 0.00006; gnomAD 0.00009; TOPMed 0.00012; 1000 Genomes Project 0.00020; ExAC 0.00007.

Submissions 1 to 10 of 37:

American College of Medical Genetics and Genomics  (ACMG)
Classification: Pathogenic for Cystic fibrosis. Last evaluated: 2004-03-03. Review status: practice guideline. Criteria: Guideline for cystic fibrosis carrier screening. Collection method: curation. Allele origin: germline. Inheritance: Autosomal recessive inheritance. Study: The ACMG recommended carrier screening panel.
ClinVar note: Converted during submission from pathogenic to Pathogenic.

CFTR2
Classification: Pathogenic for Cystic fibrosis. Last evaluated: 2017-03-17. Review status: reviewed by expert panel. Criteria: Sosnay PR et al. (Nat Genet 2013). Collection method: research. Allele origin: germline. Affected: yes. Study: CFTR2. Not counted in ClinVar's aggregate classification.

PreventionGenetics, part of Exact Sciences
Classification: Pathogenic for CFTR-related condition. Last evaluated: 2026-03-11. Review status: criteria provided, single submitter. Criteria: ACMG Guidelines, 2015. Collection method: clinical testing. Allele origin: germline. Not counted in ClinVar's aggregate classification.
Comment: The CFTR c.1000C>T variant is predicted to result in the amino acid substitution p.Arg334Trp. This variant has been reported in the homozygous and compound heterozygous states as causative for cystic fibrosis in over 900 affected individuals in the CFTR2 database and its pathogenicity is supported by functional studies (updated September 25, 2024; Van Goor et al. 2014. PubMed ID: 23891399). This variant is reported in 0.017% of alleles in individuals of Latino descent in gnomAD. Based on the available evidence, this variant is interpreted as pathogenic.

Labcorp Genetics (formerly Invitae), Labcorp
Classification: Pathogenic for Cystic fibrosis. Last evaluated: 2026-01-20. Review status: criteria provided, single submitter. Criteria: Invitae Variant Classification Sherloc (09022015). Collection method: clinical testing. Allele origin: germline. Not counted in ClinVar's aggregate classification.
Comment: This sequence change replaces arginine, which is basic and polar, with tryptophan, which is neutral and slightly polar, at codon 334 of the CFTR protein (p.Arg334Trp). This variant is present in population databases (rs121909011, gnomAD 0.02%). This missense change has been observed in individual(s) with cystic fibrosis (PMID: 15371902). It has also been observed to segregate with disease in related individuals. ClinVar contains an entry for this variant (Variation ID: 7139). Invitae Evidence Modeling of protein sequence and biophysical properties (such as structural, functional, and spatial information, amino acid conservation, physicochemical variation, residue mobility, and thermodynamic stability) indicates that this missense variant is expected to disrupt CFTR protein function with a positive predictive value of 80%. Experimental studies have shown that this missense change affects CFTR function (PMID: 23974870). For these reasons, this variant has been classified as Pathogenic.

Natera, Inc.
Classification: Pathogenic for CFTR-related disorders. Last evaluated: 2025-12-31. Review status: criteria provided, single submitter. Criteria: Natera Variant Classification Schema (03/2026). Collection method: clinical testing. Allele origin: germline. Not counted in ClinVar's aggregate classification.
Comment: The c.1000C>T variant in CFTR is a missense variant predicted to cause substitution of arginine to tryptophan at amino acid 334. This variant is rare in the general population with a frequency below the threshold expected for the associated phenotype(s). This variant has been observed in one or more individuals affected with the associated recessive disease, as either homozygous or compound heterozygous with a second variant (PMID: 7868128). Given the available evidence, this variant is classified as Pathogenic.

3billion
Classification: Pathogenic for Cystic fibrosis. Last evaluated: 2025-11-07. Review status: criteria provided, single submitter. Criteria: ACMG Guidelines, 2015. Collection method: clinical testing. Allele origin: germline. Affected: yes. Not counted in ClinVar's aggregate classification.
Comment: The variant is observed at an extremely low frequency in the gnomAD v4.1.0 dataset (total allele frequency: 0.003%). Predicted Consequence/Location: Missense variant In silico tool predictions suggest damaging effect of the variant on gene or gene product [REVEL: 0.82 (>=0.6, sensitivity 0.68 and specificity 0.92); 3Cnet: 0.99 (> 0.75, sensitivity 0.96 and precision 0.92)]. The same nucleotide change resulting in the same amino acid change has been previously reported as pathogenic/likely pathogenic with strong evidence (ClinVar ID: VCV000007139 /PMID: 2045102 /3billion dataset). The variant has been reported to be in trans with a pathogenic variant as either compound heterozygous or homozygous in at least 2 similarly affected unrelated individuals (PMID: 9039981). The variant has been reported to co-segregate with the disease in at least one similarly affected relative/individual in the same family or similarly affected unrelated families (PMID: 9039981). Different missense changes at the same codon (p.Arg334Gln, p.Arg334Leu) have been reported as pathogenic/likely pathogenic with strong evidence (ClinVar ID: VCV000053159, VCV000053160 /PMID: 9272157 /3billion dataset). Therefore, this variant is classified as Pathogenic according to the recommendation of ACMG/AMP guideline.

Dasa
Classification: Pathogenic. Last evaluated: 2025-10-28. Review status: criteria provided, single submitter. Criteria: DASA Assertion Criteria. Collection method: clinical testing. Allele origin: germline. Not counted in ClinVar's aggregate classification.
Comment: NM_000492.4(CFTR):c.1000C>T (p.Arg334Trp) is a missense variant that results in the substitution of arginine with tryptophan. The affected residue or protein region has prior evidence supporting clinical relevance. This variant has been observed in affected individuals with related phenotype in a genotype context consistent with recessive disease (PMID: 7868128; PMID: 9039981). This variant has been recurrently observed in individuals with related phenotype (PMID: 7868128; PMID: 9039981). Multiple computational predictions support a deleterious effect on the gene or gene product. The variant is present at low frequency in population datasets. Based on the available data, this variant is classified as pathogenic.

Genomic Medicine Center of Excellence, King Faisal Specialist Hospital and Research Centre
Classification: Likely pathogenic for Cystic fibrosis. Last evaluated: 2025-09-10. Review status: criteria provided, single submitter. Criteria: ACMG Guidelines, 2015. Collection method: clinical testing. Allele origin: germline. Not counted in ClinVar's aggregate classification.

Institute of Immunology and Genetics Kaiserslautern
Classification: Pathogenic for Cystic fibrosis. Last evaluated: 2025-09-09. Review status: criteria provided, single submitter. Criteria: ACMG Guidelines, 2015. Collection method: clinical testing. Allele origin: germline. Affected: yes. Not counted in ClinVar's aggregate classification.
Comment: ACMG Criteria: PS3, PM2_P, PM3, PM5, PP3, PP5_M; Variant was found in heterozygous state.

Ambry Genetics
Classification: Pathogenic for Cystic fibrosis. Last evaluated: 2025-09-02. Review status: criteria provided, single submitter. Criteria: Ambry Variant Classification Scheme 2023. Collection method: clinical testing. Allele origin: germline. Not counted in ClinVar's aggregate classification.
Comment: The p.R334W pathogenic mutation (also known as c.1000C>T), located in coding exon 8 of the CFTR gene, results from a C to T substitution at nucleotide position 1000. The arginine at codon 334 is replaced by tryptophan, an amino acid with dissimilar properties. This variant has been identified in the homozygous state and/or in conjunction with other CFTR variant(s) in individual(s) with features consistent with cystic fibrosis (Estivill X et al. Hum. Genet., 1995 Mar;95:331-6). Functional analysis showed this variant reduces the amplitude of the CFTR chloride channel current (Sheppard DN et al. Nature, 1993 Mar;362:160-4). This variant is associated with elevated sweat chloride levels and decreased lung function; 40% of individuals were pancreatic insufficient (Sosnay PR et al. Nat. Genet., 2013 Oct;45:1160-7). This amino acid position is highly conserved in available vertebrate species. In addition, this alteration is predicted to be deleterious by in silico analysis. Based on the supporting evidence, this alteration is interpreted as a disease-causing mutation.

NM_000492.4(CFTR):c.1000C>T (p.Arg334Trp)

Gene: CFTR (CF transmembrane conductance regulator; plus strand). Cytogenetic location: 7q31.2.
Variant type: single nucleotide variant.
Coding change: c.1000C>T on transcript NM_000492.4 (MANE Select); coding-DNA position 1000, C replaced by T.
Protein change: p.Arg334Trp; replaces arginine 334 with tryptophan.
Molecular consequence: missense variant.
Genome position (GRCh38, 1-based): chr7:117,540,230, C>T. VCF-style: chr7-117540230-C-T. GRCh37 (hg19) VCF-style: chr7-117180284-C-T.
Other names: short protein forms R334W.
Identifiers: ClinVar variation 7139 (VCV000007139.83), dbSNP rs121909011, ClinGen allele CA340644.